The following is an entry in ClinVar:

ClinVar aggregate classification (germline): Uncertain significance (1 of 4 stars; one submission).

Submission:

Labcorp Genetics (formerly Invitae), Labcorp
Classification: Uncertain significance. Last evaluated: 2023-03-16. Review status: criteria provided, single submitter. Criteria: Invitae Variant Classification Sherloc (09022015). Collection method: clinical testing. Allele origin: germline.
Comment: This sequence change replaces threonine, which is neutral and polar, with alanine, which is neutral and non-polar, at codon 364 of the CSGALNACT1 protein (p.Thr364Ala). This variant is not present in population databases (gnomAD no frequency). This variant has not been reported in the literature in individuals affected with CSGALNACT1-related conditions. Advanced modeling of protein sequence and biophysical properties (such as structural, functional, and spatial information, amino acid conservation, physicochemical variation, residue mobility, and thermodynamic stability) has been performed at Invitae for this missense variant, however the output from this modeling did not meet the statistical confidence thresholds required to predict the impact of this variant on CSGALNACT1 protein function. In summary, the available evidence is currently insufficient to determine the role of this variant in disease. Therefore, it has been classified as a Variant of Uncertain Significance.

NM_001354483.2(CSGALNACT1):c.1090A>G (p.Thr364Ala)

Gene: CSGALNACT1 (chondroitin sulfate N-acetylgalactosaminyltransferase 1; minus strand). Cytogenetic location: 8p21.3.
Variant type: single nucleotide variant.
Coding change: c.1090A>G on transcript NM_001354483.2 (MANE Select); coding-DNA position 1090, A replaced by G.
Protein change: p.Thr364Ala; replaces threonine 364 with alanine.
Molecular consequence: missense variant. On other transcripts: non-coding transcript variant (7).
Genome position (GRCh38, 1-based): chr8:19,420,382, T>C on the plus strand (A>G on the coding strand, the complement: CSGALNACT1 is on the minus strand). VCF-style: chr8-19420382-T-C. GRCh37 (hg19) VCF-style: chr8-19277893-T-C.
Other names: c.1090A>G, p.Thr364Ala (NM_001130518.2, NM_001354475.2, NM_001354476.2 and 18 more transcripts); short protein forms T364A.
Identifiers: ClinVar variation 2846367 (VCV002846367.3), dbSNP rs2057722668, ClinGen allele CA370459617.
Genomic context (GRCh38, chr8:19,420,382, plus strand): 5'-CAGAGAGATGATCCATACCTGGCTGTGTATTCAGCCTACACGTATTGAGGAATTCAGATG[T>C]GAAGTAGATGTCCACATCACAGAAAAAGAGAAGGACGTTGCTTCCCTTCCAGAAGCGGGC-3'
Protein context (NP_001341412.1, residues 354-374): LFFCDVDIYF[Thr364Ala]SEFLNTCRLN